The following is an entry in ClinVar:

ClinVar aggregate classification (germline): Conflicting classifications of pathogenicity. Review status: criteria provided, conflicting classifications (1 of 4 stars). 2 submissions from 2 submitters: Uncertain significance (1); Likely benign (1). Last evaluated 2023-07-14.

Conditions:
Cardiovascular phenotype. Identifiers: MedGen CN230736.
Arrhythmogenic cardiomyopathy with wooly hair and keratoderma. Also called: PALMOPLANTAR KERATODERMA WITH LEFT VENTRICULAR CARDIOMYOPATHY AND WOOLLY HAIR; Dilated cardiomyopathy with woolly hair and keratoderma; Carvajal syndrome; Arrhythmogenic cardiomyopathy with woolly hair and keratoderma. Identifiers: Orphanet 65282, MedGen C1854063, MONDO:0011581, OMIM 605676.

Allele frequency attached by ClinVar (database versions not stated): gnomAD exomes below 0.00001.
gnomAD v4.1: 2 of 1,611,760 alleles (0.00012%); highest among the groups gnomAD compares: Non-Finnish European, 0.000085%; no homozygotes.

Submissions (2):

Ambry Genetics
Classification: Uncertain significance for Cardiovascular phenotype. Last evaluated: 2023-07-14. Review status: criteria provided, single submitter. Criteria: Ambry Variant Classification Scheme 2023. Collection method: clinical testing. Allele origin: germline.
Comment: The c.2878-3C>T intronic variant results from a C to T substitution 3 nucleotides upstream from coding exon 21 in the DSP gene. This nucleotide position is well conserved in available vertebrate species. In silico splice site analysis predicts that this alteration will not have any significant effect on splicing. Since supporting evidence is limited at this time, the clinical significance of this alteration remains unclear.

All of Us Research Program, National Institutes of Health
Classification: Likely benign for Arrhythmogenic cardiomyopathy with wooly hair and keratoderma. Last evaluated: 2023-06-08. Review status: criteria provided, single submitter. Criteria: ACMG Guidelines, 2015. Collection method: clinical testing. Allele origin: germline. Inheritance: Autosomal dominant inheritance. Observed: 1 variant allele, 1 heterozygote.
Comment: This study involves interpretation of variants in research participants for the purpose of population health screening. Participant phenotype was not available at the time of variant classification. Additional details can be found in publication PMID: 35346344, PMCID: PMC8962531

NM_004415.4(DSP):c.2878-3C>T

Gene: DSP (desmoplakin; plus strand). Cytogenetic location: 6p24.3.
Variant type: single nucleotide variant.
Coding change: c.2878-3C>T on transcript NM_004415.4 (MANE Select); 3 bases into the intron before coding-DNA position 2878, C replaced by T.
Molecular consequence: intron variant.
Genome position (GRCh38, 1-based): chr6:7,577,776, C>T. VCF-style: chr6-7577776-C-T. GRCh37 (hg19) VCF-style: chr6-7578009-C-T.
Other names: c.2878-3C>T (LRG_423t1, NM_001319034.2, NM_001008844.3).
Identifiers: ClinVar variation 636553 (VCV000636553.4), dbSNP rs1581813359, ClinGen allele CA915944147.